The following is an entry in ClinVar:

ClinVar aggregate classification (germline): Uncertain significance (1 of 4 stars; one submission).

Conditions:
Hereditary cancer-predisposing syndrome. Also called: Neoplastic Syndromes, Hereditary; Tumor predisposition; Hereditary neoplastic syndrome; Hereditary Cancer Syndrome. Identifiers: Orphanet 140162, MedGen C0027672, MeSH D009386, MONDO:0015356.

Submission:

Ambry Genetics
Classification: Uncertain significance for Hereditary cancer-predisposing syndrome. Last evaluated: 2024-01-21. Review status: criteria provided, single submitter. Criteria: Ambry Variant Classification Scheme 2023. Collection method: clinical testing. Allele origin: germline.
Comment: The p.R114K variant (also known as c.341G>A), located in coding exon 3 of the DICER1 gene, results from a G to A substitution at nucleotide position 341. The arginine at codon 114 is replaced by lysine, an amino acid with highly similar properties. This amino acid position is conserved. In addition, this alteration is predicted to be tolerated by in silico analysis. Based on the available evidence, the clinical significance of this alteration remains unclear.

NM_177438.3(DICER1):c.341G>A (p.Arg114Lys)

Gene: DICER1 (dicer 1, ribonuclease III; minus strand). Cytogenetic location: 14q32.13.
Variant type: single nucleotide variant.
Coding change: c.341G>A on transcript NM_177438.3 (MANE Select); coding-DNA position 341, G replaced by A.
Protein change: p.Arg114Lys; replaces arginine 114 with lysine.
Molecular consequence: missense variant. On other transcripts: 5 prime UTR variant (2), non-coding transcript variant (5), intron variant (6).
Genome position (GRCh38, 1-based): chr14:95,131,606, C>T on the plus strand (G>A on the coding strand, the complement: DICER1 is on the minus strand). VCF-style: chr14-95131606-C-T. GRCh37 (hg19) VCF-style: chr14-95597943-C-T.
Other names: c.341G>A, p.Arg114Lys (NM_001195573.1, NM_001271282.3, NM_001291628.2 and 15 more transcripts); c.59G>A, p.Arg20Lys (NM_001395686.1); c.-118G>A (NM_001395691.1); c.-1228G>A (NM_001395697.1); c.33+909G>A (NM_001395690.1, NM_001395687.1, NM_001395689.1 and 3 more transcripts); short protein forms R114K, R20K.
Identifiers: ClinVar variation 3229377 (VCV003229377.1), dbSNP rs2543342797, ClinGen allele CA390889326.
Genomic context (GRCh38, chr14:95,131,606, plus strand): 5'-GTCCAAGATGCATTTACTTCTAGGTTTGAGTATTCCCCAACCTTGAGATCTGAATGAGTT[C>T]TGACAGCTGACACTTGTTGAGCAACCTGGTTTGCTAATTACAAATATAATACTCCATGTA-3'
Protein context (NP_803187.1, residues 104-124): NQVAQQVSAV[Arg114Lys]THSDLKVGEY